The following is an entry in ClinVar:

NM_000287.4(PEX6):c.1348A>C (p.Lys450Gln)

Gene: PEX6 (peroxisomal biogenesis factor 6; minus strand). Cytogenetic location: 6p21.1.
Variant type: single nucleotide variant.
Coding change: c.1348A>C on transcript NM_000287.4 (MANE Select); coding-DNA position 1348, A replaced by C.
Protein change: p.Lys450Gln; replaces lysine 450 with glutamine.
Molecular consequence: missense variant. On other transcripts: non-coding transcript variant (1).
Genome position (GRCh38, 1-based): chr6:42,969,687, T>G on the plus strand (A>C on the coding strand, the complement: PEX6 is on the minus strand). VCF-style: chr6-42969687-T-G. GRCh37 (hg19) VCF-style: chr6-42937425-T-G.
Other names: c.1084A>C, p.Lys362Gln (NM_001316313.2); short protein forms K362Q, K450Q.
Identifiers: ClinVar variation 2637400 (VCV002637400.2), dbSNP rs767009020, ClinGen allele CA3811364.

ClinVar aggregate classification (germline): Uncertain significance. Review status: criteria provided, multiple submitters, no conflicts (2 of 4 stars). 2 submissions from 2 submitters: Uncertain significance (2). Last evaluated 2025-06-16.

Conditions:
PEX6-related disorder. Also called: PEX6-related disorders; PEX6-related condition.
Inborn genetic diseases. Identifiers: MedGen C0950123, MeSH D030342.

Allele frequency attached by ClinVar (database versions not stated): gnomAD exomes 0.00001; TOPMed 0.00001; ExAC 0.00002.

Submissions (2):

Ambry Genetics
Classification: Uncertain significance for Inborn genetic diseases. Last evaluated: 2025-06-16. Review status: criteria provided, single submitter. Criteria: Ambry Variant Classification Scheme 2023. Collection method: clinical testing. Allele origin: germline.

PreventionGenetics, part of Exact Sciences
Classification: Uncertain significance for PEX6-related condition. Last evaluated: 2023-02-27. Review status: criteria provided, single submitter. Criteria: ACMG Guidelines, 2015. Collection method: clinical testing. Allele origin: germline.
Comment: The PEX6 c.1348A>C variant is predicted to result in the amino acid substitution p.Lys450Gln. To our knowledge, this variant has not been reported in the literature. This variant is reported in 0.014% of alleles in individuals of Latino descent in gnomAD. At this time, the clinical significance of this variant is uncertain due to the absence of conclusive functional and genetic evidence.